The following is an entry in ClinVar:

NM_177550.5(SLC13A5):c.1092C>T (p.Ala364=)

Gene: SLC13A5 (solute carrier family 13 member 5; minus strand). Cytogenetic location: 17p13.1.
Variant type: single nucleotide variant.
Coding change: c.1092C>T on transcript NM_177550.5 (MANE Select); coding-DNA position 1092, C replaced by T.
Protein change: p.Ala364=; no amino-acid change (alanine 364 retained).
Molecular consequence: synonymous variant.
Genome position (GRCh38, 1-based): chr17:6,694,161, G>A on the plus strand (C>T on the coding strand, the complement: SLC13A5 is on the minus strand). VCF-style: chr17-6694161-G-A. GRCh37 (hg19) VCF-style: chr17-6597480-G-A.
Other names: p.Ala364=; c.1092C>T, p.Ala364= (NM_001143838.3); c.1041C>T, p.Ala347= (NM_001284509.2); c.963C>T, p.Ala321= (NM_001284510.2).
Identifiers: ClinVar variation 380900 (VCV000380900.19), dbSNP rs55698160, ClinGen allele CA8331519.

ClinVar aggregate classification (germline): Benign. Review status: criteria provided, multiple submitters, no conflicts (2 of 4 stars). 7 submissions from 7 submitters: Benign (7). Last evaluated 2026-02-03.

Conditions:
Inborn genetic diseases. Identifiers: MedGen C0950123, MeSH D030342.
Developmental and epileptic encephalopathy, 25 (DEE25). Also called: Developmental and epileptic encephalopathy 25, with amelogenesis imperfecta; Epileptic encephalopathy, early infantile, 25, with amelogenesis imperfecta; Epileptic encephalopathy, early infantile, 25. Identifiers: Orphanet 442835, MedGen C4014621, MONDO:0014392, OMIM 615905.

Allele frequency attached by ClinVar (database versions not stated): 1000 Genomes Project 0.06869; gnomAD exomes 0.06909 and 0.08691; 1000 Genomes Project 30x 0.07230; ExAC 0.07363; TOPMed 0.08781; gnomAD 0.09029 and 0.09334; ESP Exome Variant Server 0.10003.
gnomAD v4.1: 140,372 of 1,612,512 alleles (8.7%); highest among the groups gnomAD compares: African/African-American, 12%; 6,722 homozygotes.

Submissions (7):

Labcorp Genetics (formerly Invitae), Labcorp
Classification: Benign for Developmental and epileptic encephalopathy, 25. Last evaluated: 2026-02-03. Review status: criteria provided, single submitter. Criteria: Invitae Variant Classification Sherloc (09022015). Collection method: clinical testing. Allele origin: germline.

Genome-Nilou Lab
Classification: Benign for Developmental and epileptic encephalopathy, 25. Last evaluated: 2021-07-15. Review status: criteria provided, single submitter. Criteria: ACMG Guidelines, 2015. Collection method: clinical testing. Allele origin: germline. Affected: no.

Mayo Clinic Laboratories, Mayo Clinic
Classification: Benign. Last evaluated: 2018-04-02. Review status: criteria provided, single submitter. Criteria: ACMG Guidelines, 2015. Collection method: clinical testing. Allele origin: germline. Observed: 69 variant alleles.

Athena Diagnostics
Classification: Benign. Last evaluated: 2017-04-20. Review status: criteria provided, single submitter. Criteria: Athena Diagnostics Criteria. Collection method: clinical testing. Allele origin: germline.

Ambry Genetics
Classification: Benign for Inborn genetic diseases. Last evaluated: 2016-04-11. Review status: criteria provided, single submitter. Criteria: Ambry Variant Classification Scheme 2023. Collection method: clinical testing. Allele origin: germline.

GeneDx
Classification: Benign. Last evaluated: 2016-01-12. Review status: criteria provided, single submitter. Criteria: GeneDx Variant Classification (06012015). Collection method: clinical testing. Allele origin: germline. Affected: yes.
Comment: This variant is considered likely benign or benign based on one or more of the following criteria: it is a conservative change, it occurs at a poorly conserved position in the protein, it is predicted to be benign by multiple in silico algorithms, and/or has population frequency not consistent with disease.

Breakthrough Genomics
Classification: Benign. Review status: criteria provided, single submitter. Criteria: ACMG Guidelines, 2015. Collection method: not provided. Allele origin: germline. Inheritance: Autosomal recessive inheritance. Affected: yes.